The following is an entry in ClinVar:

NM_000268.4(NF2):c.1562T>C (p.Ile521Thr)

Gene: NF2 (NF2, moesin-ezrin-radixin like (MERLIN) tumor suppressor; plus strand). Cytogenetic location: 22q12.2.
Variant type: single nucleotide variant.
Coding change: c.1562T>C on transcript NM_000268.4 (MANE Select); coding-DNA position 1562, T replaced by C.
Protein change: p.Ile521Thr; replaces isoleucine 521 with threonine.
Molecular consequence: missense variant. On other transcripts: non-coding transcript variant (1), intron variant (1).
Genome position (GRCh38, 1-based): chr22:29,678,311, T>C. VCF-style: chr22-29678311-T-C. GRCh37 (hg19) VCF-style: chr22-30074300-T-C.
Other names: c.1436T>C, p.Ile479Thr (NM_181828.3, NM_001407055.1); c.1439T>C, p.Ile480Thr (NM_181829.3, NM_001407054.1, NM_001407058.1); c.1313T>C, p.Ile438Thr (NM_181830.3, NM_181831.3, NM_001407063.1 and 1 more transcripts); c.1562T>C, p.Ile521Thr (NM_181832.3, NM_001407060.1, NM_001407066.1 and 2 more transcripts); c.448-16441T>C (NM_181833.3); c.1448T>C, p.Ile483Thr (NM_001407053.1, NM_001407056.1); c.1427T>C, p.Ile476Thr (NM_001407057.1, NM_001407059.1); c.1304T>C, p.Ile435Thr (NM_001407062.1); and 2 more; short protein forms I438T, I479T, I521T, I476T, I483T, I343T, I435T, I444T.
Identifiers: ClinVar variation 2764051 (VCV002764051.5), dbSNP rs1433909523, ClinGen allele CA411149791.

ClinVar aggregate classification (germline): Uncertain significance. Review status: criteria provided, multiple submitters, no conflicts (2 of 4 stars). 3 submissions from 3 submitters: Uncertain significance (3). Last evaluated 2025-06-07.

Conditions:
Neurofibromatosis, type 2 (SWNV). Also called: SCHWANNOMATOSIS, VESTIBULAR; BILATERAL ACOUSTIC NEUROFIBROMATOSIS; NF2-Related Schwannomatosis. Identifiers: Orphanet 637, MedGen C0027832, MONDO:0007039, OMIM 101000. Disease mechanism: loss of function.
Hereditary cancer-predisposing syndrome. Also called: Hereditary Cancer Syndrome; Hereditary neoplastic syndrome; Neoplastic Syndromes, Hereditary; Tumor predisposition. Identifiers: Orphanet 140162, MedGen C0027672, MeSH D009386, MONDO:0015356.
Familial meningioma. Also called: Meningioma, familial, susceptibility to. Identifiers: Orphanet 263662, MedGen C3551915, MONDO:0011789, OMIM 607174.

Allele frequency attached by ClinVar (database versions not stated): gnomAD exomes below 0.00001.
gnomAD v4.1: 2 of 1,613,482 alleles (0.00012%); highest among the groups gnomAD compares: East Asian, 0.0022%; no homozygotes.

Submissions (3):

Ambry Genetics
Classification: Uncertain significance for Hereditary cancer-predisposing syndrome. Last evaluated: 2025-06-07. Review status: criteria provided, single submitter. Criteria: Ambry Variant Classification Scheme 2023. Collection method: clinical testing. Allele origin: germline.
Comment: The p.I521T variant (also known as c.1562T>C), located in coding exon 14 of the NF2 gene, results from a T to C substitution at nucleotide position 1562. The isoleucine at codon 521 is replaced by threonine, an amino acid with similar properties. This amino acid position is conserved. In addition, this alteration is predicted to be deleterious by in silico analysis. Based on the available evidence, the clinical significance of this variant remains unclear.

Baylor Genetics
Classification: Uncertain significance for Familial meningioma. Last evaluated: 2023-11-28. Review status: criteria provided, single submitter. Criteria: ACMG Guidelines, 2015. Collection method: clinical testing. Allele origin: unknown.

Labcorp Genetics (formerly Invitae), Labcorp
Classification: Uncertain significance for Neurofibromatosis, type 2. Last evaluated: 2023-11-20. Review status: criteria provided, single submitter. Criteria: Invitae Variant Classification Sherloc (09022015). Collection method: clinical testing. Allele origin: germline.
Comment: This sequence change replaces isoleucine, which is neutral and non-polar, with threonine, which is neutral and polar, at codon 521 of the NF2 protein (p.Ile521Thr). This variant is present in population databases (no rsID available, gnomAD 0.003%). This variant has not been reported in the literature in individuals affected with NF2-related conditions. Advanced modeling of protein sequence and biophysical properties (such as structural, functional, and spatial information, amino acid conservation, physicochemical variation, residue mobility, and thermodynamic stability) performed at Invitae indicates that this missense variant is not expected to disrupt NF2 protein function with a negative predictive value of 80%. In summary, the available evidence is currently insufficient to determine the role of this variant in disease. Therefore, it has been classified as a Variant of Uncertain Significance.